The following is an entry in ClinVar:

NM_002335.4(LRP5):c.1392C>T (p.Ile464=)

Gene: LRP5 (LDL receptor related protein 5; plus strand). Cytogenetic location: 11q13.2.
Variant type: single nucleotide variant.
Coding change: c.1392C>T on transcript NM_002335.4 (MANE Select); coding-DNA position 1392, C replaced by T.
Protein change: p.Ile464=; no amino-acid change (isoleucine 464 retained).
Molecular consequence: synonymous variant. On other transcripts: 5 prime UTR variant (1).
Genome position (GRCh38, 1-based): chr11:68,386,692, C>T. VCF-style: chr11-68386692-C-T. GRCh37 (hg19) VCF-style: chr11-68154160-C-T.
Other names: c.-374C>T (NM_001291902.2).
Identifiers: ClinVar variation 284533 (VCV000284533.23), dbSNP rs569443429, ClinGen allele CA6149316.

ClinVar aggregate classification (germline): Benign/Likely benign. Review status: criteria provided, multiple submitters, no conflicts (2 of 4 stars). 7 submissions from 7 submitters: Benign (2); Likely benign (4). 1 of the submissions does not count toward it. Last evaluated 2026-09-01.

Conditions:
LRP5-related disorder. Also called: LRP5-related condition.
Autosomal dominant osteopetrosis 1 (OPTA1). Also called: OSTEOPETROSIS, AUTOSOMAL DOMINANT, TYPE I. Identifiers: Orphanet 2783, MedGen C1843330, MONDO:0011877, OMIM 607634.
Polycystic liver disease 4 with or without kidney cysts. Identifiers: MedGen C4693479, MONDO:0044327, OMIM 617875.
Worth disease. Also called: OSTEOSCLEROSIS, AUTOSOMAL DOMINANT; ENDOSTEAL HYPEROSTOSIS, AUTOSOMAL DOMINANT; Autosomal dominant osteosclerosis, Worth type. Identifiers: Orphanet 2790, MedGen C0432273, MONDO:0007764, OMIM 144750.
Bone mineral density quantitative trait locus 1 (BMND1). Identifiers: MedGen C1866079, OMIM 601884.
Exudative vitreoretinopathy 4 (EVR4). Identifiers: Orphanet 891, MedGen C1866176, MONDO:0011151, OMIM 601813.
Osteoporosis. Identifiers: MedGen C0029456, MONDO:0005298, OMIM 166710, HP:0000939.
Osteoporosis with pseudoglioma (OPPG). Also called: osteoporosis-pseudoglioma syndrome. Identifiers: Orphanet 2788, MedGen C0432252, MONDO:0009820, OMIM 259770.
Exudative vitreoretinopathy 1 (EVR1). Also called: FEVR, AUTOSOMAL DOMINANT; Familial exudative vitreoretinopathy, autosomal dominant; CRISWICK-SCHEPENS SYNDROME. Identifiers: Orphanet 891, Orphanet 90050, MedGen C1851402, MONDO:0007589, OMIM 133780.
Osteogenesis imperfecta (OI). Identifiers: Orphanet 666, MedGen C0029434, MeSH D010013, MONDO:0019019.

Allele frequency attached by ClinVar (database versions not stated): gnomAD below 0.00001 and 0.00032; TOPMed 0.00009; gnomAD exomes 0.00062 and 0.00130; ExAC 0.00142; 1000 Genomes Project 30x 0.00187; 1000 Genomes Project 0.00220.
gnomAD v4.1: 956 of 1,613,236 alleles (0.059%); highest among the groups gnomAD compares: South Asian, 0.98%; 9 homozygotes.

Submissions (7):

CeGaT Center for Human Genetics Tuebingen
Classification: Likely benign. Last evaluated: 2026-09-01. Review status: criteria provided, single submitter. Criteria: CeGaT Center For Human Genetics Tuebingen Variant Classification Criteria Version 2. Collection method: clinical testing. Allele origin: germline. Affected: yes. Observed: 1 variant allele.
Comment: LRP5: BP4, BP7

Labcorp Genetics (formerly Invitae), Labcorp
Classification: Benign. Last evaluated: 2026-01-27. Review status: criteria provided, single submitter. Criteria: Invitae Variant Classification Sherloc (09022015). Collection method: clinical testing. Allele origin: germline.

Blueprint Genetics
Classification: Likely benign. Last evaluated: 2024-10-18. Review status: criteria provided, single submitter. Criteria: ACMG Guidelines, 2015. Collection method: clinical testing. Allele origin: germline.

Fulgent Genetics
Classification: Likely benign for Exudative vitreoretinopathy 1; Worth disease; Osteoporosis; Osteoporosis with pseudoglioma; Exudative vitreoretinopathy 4; Bone mineral density quantitative trait locus 1; Autosomal dominant osteopetrosis 1; Polycystic liver disease 4 with or without kidney cysts. Last evaluated: 2021-07-23. Review status: criteria provided, single submitter. Criteria: ACMG Guidelines, 2015. Collection method: clinical testing. Allele origin: unknown.

Genome Diagnostics Laboratory, The Hospital for Sick Children
Classification: Likely benign for Osteogenesis imperfecta. Last evaluated: 2020-11-05. Review status: criteria provided, single submitter. Criteria: ACMG Guidelines, 2015. Collection method: clinical testing. Allele origin: germline.

Eurofins Ntd Llc (ga)
Classification: Benign. Last evaluated: 2015-11-13. Review status: criteria provided, single submitter. Criteria: EGL Classification Definitions 2015. Collection method: clinical testing. Allele origin: germline. Observed: 1 variant allele, 1 heterozygote.

PreventionGenetics, part of Exact Sciences
Classification: Benign for LRP5-related condition. Last evaluated: 2024-06-07. Review status: no assertion criteria provided. Collection method: clinical testing. Allele origin: germline. Not counted in ClinVar's aggregate classification.
Comment: This variant is classified as benign based on ACMG/AMP sequence variant interpretation guidelines (Richards et al. 2015 PMID: 25741868, with internal and published modifications).